The following is an entry in ClinVar:

ClinVar aggregate classification (germline): Uncertain significance (1 of 4 stars; one submission).

Allele frequency attached by ClinVar (database versions not stated): gnomAD exomes below 0.00001; ExAC 0.00001.

Submission:

Labcorp Genetics (formerly Invitae), Labcorp
Classification: Uncertain significance. Last evaluated: 2022-06-07. Review status: criteria provided, single submitter. Criteria: Invitae Variant Classification Sherloc (09022015). Collection method: clinical testing. Allele origin: germline.
Comment: This sequence change replaces alanine, which is neutral and non-polar, with valine, which is neutral and non-polar, at codon 323 of the IL6R protein (p.Ala323Val). This variant is present in population databases (rs766596011, gnomAD 0.006%). This variant has not been reported in the literature in individuals affected with IL6R-related conditions. Algorithms developed to predict the effect of missense changes on protein structure and function output the following: SIFT: "Tolerated"; PolyPhen-2: "Benign"; Align-GVGD: "Class C0". The valine amino acid residue is found in multiple mammalian species, which suggests that this missense change does not adversely affect protein function. In summary, the available evidence is currently insufficient to determine the role of this variant in disease. Therefore, it has been classified as a Variant of Uncertain Significance.

NM_000565.4(IL6R):c.968C>T (p.Ala323Val)

Gene: IL6R (interleukin 6 receptor; plus strand). Cytogenetic location: 1q21.3.
Variant type: single nucleotide variant.
Coding change: c.968C>T on transcript NM_000565.4 (MANE Select); coding-DNA position 968, C replaced by T.
Protein change: p.Ala323Val; replaces alanine 323 with valine.
Molecular consequence: missense variant.
Genome position (GRCh38, 1-based): chr1:154,448,143, C>T. VCF-style: chr1-154448143-C-T. GRCh37 (hg19) VCF-style: chr1-154420619-C-T.
Other names: c.968C>T, p.Ala323Val (NM_001382769.1, NM_181359.3); c.1061C>T, p.Ala354Val (NM_001382770.1); c.1016C>T, p.Ala339Val (NM_001382771.1, NM_001382773.1); c.962C>T, p.Ala321Val (NM_001382772.1); c.608C>T, p.Ala203Val (NM_001382774.1); short protein forms A203V, A339V, A354V, A323V, A321V.
Identifiers: ClinVar variation 2003072 (VCV002003072.4), dbSNP rs766596011, ClinGen allele CA1129212.
Genomic context (GRCh38, chr1:154,448,143, plus strand): 5'-GGCCCATGAATCACTAATAATGAGCCTTTCTTCTGTCCGCAGAATCCAGGAGTCCTCCAG[C>T]TGAGAACGAGGTGTCCACCCCCATGCAGGTGAGCTCCTGTTCTTGTAAAAGGGTCAGGGC-3'
Protein context (NP_000556.1, residues 313-333): TPWTESRSPP[Ala323Val]ENEVSTPMQA